The following is an entry in ClinVar:

NM_000059.4(BRCA2):c.4999dup (p.Ser1667fs)

Gene: BRCA2 (BRCA2 DNA repair associated; plus strand). Cytogenetic location: 13q13.1.
Variant type: Duplication.
Coding change: c.4999dup on transcript NM_000059.4 (MANE Select); coding-DNA position 4999, one base duplicated (T; older notation c.4999dupT).
Protein change: p.Ser1667fs; shifts the reading frame from serine 1667.
Molecular consequence: frameshift variant.
Genome position (GRCh38, 1-based): chr13:32,339,354, T duplicated; the last of 2 consecutive T bases (chr13:32,339,353-32,339,354); duplicating either gives the same sequence. VCF-style (leftmost placement, unchanged base first): chr13-32339352-A-AT. GRCh37 (hg19) VCF-style: chr13-32913489-A-AT.
Other names: c.4999dupT (NM_000059.3); short protein forms S1667fs.
Identifiers: ClinVar variation 51753 (VCV000051753.3), dbSNP rs397507754, ClinGen allele CA021117.

ClinVar aggregate classification (germline): Pathogenic. Review status: reviewed by expert panel (3 of 4 stars). 2 submissions from 2 submitters: Pathogenic (1). 1 of the submissions does not count toward it. Last evaluated 2017-12-15.

Conditions:
Familial cancer of breast. Also called: BREAST CANCER, FAMILIAL; Hereditary breast cancer; hereditary breast carcinoma. Identifiers: Orphanet 227535, MedGen C0346153, MONDO:0016419, OMIM 114480. Disease mechanism: loss of function.
Breast-ovarian cancer, familial, susceptibility to, 2 (BROVCA2). Also called: BRCA2 Hereditary Breast and Ovarian Cancer. Identifiers: Orphanet 145, MedGen C2675520, MONDO:0012933, OMIM 612555. Disease mechanism: loss of function.

Submissions (2):

Evidence-based Network for the Interpretation of Germline Mutant Alleles (ENIGMA)
Classification: Pathogenic for Breast-ovarian cancer, familial, susceptibility to, 2. Last evaluated: 2017-12-15. Review status: reviewed by expert panel. Criteria: ENIGMA BRCA1/2 Classification Criteria (2017-06-29). Collection method: curation. Allele origin: germline. Study: ENIGMA.
Comment: Variant allele predicted to encode a truncated non-functional protein.

ClinVar Staff, National Center for Biotechnology Information (NCBI)
No classification provided. Condition: Familial cancer of breast. Review status: no classification provided. Collection method: literature only. Allele origin: germline. Affected: yes. Not counted in ClinVar's aggregate classification.

Literature cited by the submitters: PubMed 14722926 (cited by ClinVar Staff, National Center for Biotechnology Information (NCBI)).